The following is an entry in ClinVar:

NM_138773.4(SLC25A46):c.673G>A (p.Val225Met)

Gene: SLC25A46 (solute carrier family 25 member 46; plus strand). Cytogenetic location: 5q22.1.
Variant type: single nucleotide variant.
Coding change: c.673G>A on transcript NM_138773.4 (MANE Select); coding-DNA position 673, G replaced by A.
Protein change: p.Val225Met; replaces valine 225 with methionine.
Molecular consequence: missense variant. On other transcripts: non-coding transcript variant (1).
Genome position (GRCh38, 1-based): chr5:110,756,754, G>A. VCF-style: chr5-110756754-G-A. GRCh37 (hg19) VCF-style: chr5-110092454-G-A.
Other names: c.673G>A, p.Val225Met (NM_001303249.3); c.400G>A, p.Val134Met (NM_001303250.3); short protein forms V134M, V225M.
Identifiers: ClinVar variation 3443513 (VCV003443513.3).

ClinVar aggregate classification (germline): Uncertain significance. Review status: criteria provided, multiple submitters, no conflicts (2 of 4 stars). 2 submissions from 2 submitters: Uncertain significance (2). Last evaluated 2024-09-24.

Conditions:
Inborn genetic diseases. Identifiers: MedGen C0950123, MeSH D030342.
Neuropathy, hereditary motor and sensory, type 6B (HMSN6B). Also called: NEUROPATHY, HEREDITARY MOTOR AND SENSORY, TYPE VIB, WITH OPTIC ATROPHY; Neuropathy, hereditary motor and sensory, type VIB; HMSN VIB; CHARCOT-MARIE-TOOTH DISEASE, TYPE 6B. Identifiers: MedGen C4225302, MONDO:0014671, OMIM 616505.

Submissions (2):

Ambry Genetics
Classification: Uncertain significance for Inborn genetic diseases. Last evaluated: 2024-09-24. Review status: criteria provided, single submitter. Criteria: Ambry Variant Classification Scheme 2023. Collection method: clinical testing. Allele origin: germline.

Labcorp Genetics (formerly Invitae), Labcorp
Classification: Uncertain significance for Neuropathy, hereditary motor and sensory, type 6B. Last evaluated: 2024-07-15. Review status: criteria provided, single submitter. Criteria: Invitae Variant Classification Sherloc (09022015). Collection method: clinical testing. Allele origin: germline.
Comment: This sequence change replaces valine, which is neutral and non-polar, with methionine, which is neutral and non-polar, at codon 225 of the SLC25A46 protein (p.Val225Met). This variant is not present in population databases (gnomAD no frequency). This variant has not been reported in the literature in individuals affected with SLC25A46-related conditions. Advanced modeling of protein sequence and biophysical properties (such as structural, functional, and spatial information, amino acid conservation, physicochemical variation, residue mobility, and thermodynamic stability) performed at Invitae indicates that this missense variant is not expected to disrupt SLC25A46 protein function with a negative predictive value of 80%. In summary, the available evidence is currently insufficient to determine the role of this variant in disease. Therefore, it has been classified as a Variant of Uncertain Significance.